The following is an entry in ClinVar:

NM_015330.6(SPECC1L):c.470G>A (p.Arg157Gln)

Genes: SPECC1L (sperm antigen with calponin homology and coiled-coil domains 1 like; plus strand), SPECC1L-ADORA2A (SPECC1L-ADORA2A readthrough (NMD candidate); plus strand). Cytogenetic location: 22q11.23.
Variant type: single nucleotide variant.
Coding change: c.470G>A on transcript NM_015330.6 (MANE Select); coding-DNA position 470, G replaced by A.
Protein change: p.Arg157Gln; replaces arginine 157 with glutamine.
Molecular consequence: missense variant. On other transcripts: non-coding transcript variant (1).
Genome position (GRCh38, 1-based): chr22:24,321,450, G>A. VCF-style: chr22-24321450-G-A. GRCh37 (hg19) VCF-style: chr22-24717418-G-A.
Other names: c.470G>A (NM_015330.2); c.470G>A, p.Arg157Gln (NM_001145468.4, NM_001254732.3); short protein forms R157Q.
Identifiers: ClinVar variation 718789 (VCV000718789.32), dbSNP rs201337978, ClinGen allele CA10151966.

ClinVar aggregate classification (germline): Likely benign. Review status: criteria provided, multiple submitters, no conflicts (2 of 4 stars). 4 submissions from 4 submitters: Likely benign (4). Last evaluated 2025-10-02.

Conditions:
Inborn genetic diseases. Identifiers: MedGen C0950123, MeSH D030342.

Allele frequency attached by ClinVar (database versions not stated): gnomAD 0.00011 and 0.00013; TOPMed 0.00012; ExAC 0.00036; ESP Exome Variant Server 0.00038.

Submissions (4):

Labcorp Genetics (formerly Invitae), Labcorp
Classification: Likely benign. Last evaluated: 2025-10-02. Review status: criteria provided, single submitter. Criteria: Invitae Variant Classification Sherloc (09022015). Collection method: clinical testing. Allele origin: germline.

Laboratory of Genetics, Children's Clinical University Hospital Latvia
Classification: Likely benign. Last evaluated: 2025-02-16. Review status: criteria provided, single submitter. Criteria: ACMG Guidelines, 2015. Collection method: clinical testing. Allele origin: germline. Affected: yes.

CeGaT Center for Human Genetics Tuebingen
Classification: Likely benign. Last evaluated: 2024-02-01. Review status: criteria provided, single submitter. Criteria: CeGaT Center For Human Genetics Tuebingen Variant Classification Criteria Version 2. Collection method: clinical testing. Allele origin: germline. Affected: yes. Observed: 1 variant allele.
Comment: SPECC1L: BP4

Ambry Genetics
Classification: Likely benign for Inborn genetic diseases. Last evaluated: 2023-09-25. Review status: criteria provided, single submitter. Criteria: Ambry Variant Classification Scheme 2023. Collection method: clinical testing. Allele origin: germline.